The following is an entry in ClinVar:

ClinVar aggregate classification (germline): Uncertain significance (1 of 4 stars; one submission).

Conditions:
Intellectual developmental disorder 61. Also called: INTELLECTUAL DEVELOPMENTAL DISORDER, AUTOSOMAL DOMINANT 61; MENTAL RETARDATION, AUTOSOMAL DOMINANT 61. Identifiers: MedGen C5231400, MONDO:0032485, OMIM 618009.

Allele frequency attached by ClinVar (database versions not stated): gnomAD exomes below 0.00001.
gnomAD v4.1: 1 of 1,613,910 alleles (0.000062%); highest among the groups gnomAD compares: Non-Finnish European, 0.000085%; no homozygotes.

Submission:

MVZ Medizinische Genetik Mainz
Classification: Uncertain significance for Intellectual developmental disorder 61. Last evaluated: 2022-07-19. Review status: criteria provided, single submitter. Criteria: UK Practice Guidelines For Variant Classification V4 01 2020. Collection method: clinical testing. Allele origin: germline. Inheritance: Autosomal dominant inheritance. Affected: yes. Observed: 1 variant allele.
Comment: ACMG Criteria: PM2_SUP, PP3 (ACMG Version 3)

NM_005121.3(MED13):c.5321C>G (p.Thr1774Arg)

Gene: MED13 (mediator complex subunit 13; minus strand). Cytogenetic location: 17q23.2.
Variant type: single nucleotide variant.
Coding change: c.5321C>G on transcript NM_005121.3 (MANE Select); coding-DNA position 5321, C replaced by G.
Protein change: p.Thr1774Arg; replaces threonine 1774 with arginine.
Molecular consequence: missense variant.
Genome position (GRCh38, 1-based): chr17:61,961,026, G>C on the plus strand (C>G on the coding strand, the complement: MED13 is on the minus strand). VCF-style: chr17-61961026-G-C. GRCh37 (hg19) VCF-style: chr17-60038387-G-C.
Other names: short protein forms T1774R.
Identifiers: ClinVar variation 3234041 (VCV003234041.1), dbSNP rs2509229075, ClinGen allele CA400510354.